The following is an entry in ClinVar:

ClinVar aggregate classification (germline): Uncertain significance (1 of 4 stars; one submission).

Submission:

Labcorp Genetics (formerly Invitae), Labcorp
Classification: Uncertain significance. Last evaluated: 2022-10-10. Review status: criteria provided, single submitter. Criteria: Invitae Variant Classification Sherloc (09022015). Collection method: clinical testing. Allele origin: germline.
Comment: In summary, the available evidence is currently insufficient to determine the role of this variant in disease. Therefore, it has been classified as a Variant of Uncertain Significance. Experimental studies and prediction algorithms are not available or were not evaluated, and the functional significance of this variant is currently unknown. This variant has not been reported in the literature in individuals affected with MTMR14-related conditions. This variant is not present in population databases (gnomAD no frequency). This variant, c.103_105del, results in the deletion of 1 amino acid(s) of the MTMR14 protein (p.Glu35del), but otherwise preserves the integrity of the reading frame.

NM_001077525.3(MTMR14):c.100GAG[1] (p.Glu35del)

Gene: MTMR14 (myotubularin related protein 14; plus strand). Cytogenetic location: 3p25.3.
Variant type: Microsatellite.
Coding change: c.100GAG[1] on transcript NM_001077525.3 (MANE Select); one copy of the 3-base unit GAG starting at c.100; the reference has two copies in a row; one copy, 3 bases deleted.
Protein change: p.Glu35del; deletes glutamic acid 35.
Molecular consequence: inframe deletion. On other transcripts: 5 prime UTR variant (23), non-coding transcript variant (9).
Genome position (GRCh38, 1-based): chr3:9,649,686-9,649,688, GAG deleted; deleting any 3 consecutive bases within chr3:9,649,682-9,649,688 gives the same sequence; the position shown is the placement nearest the transcript's 3' end. VCF-style (leftmost placement, unchanged base first): chr3-9649681-TGGA-T. GRCh37 (hg19) VCF-style: chr3-9691365-TGGA-T.
Other names: c.100GAG[1], p.Glu35del (NM_001077526.3, NM_001400519.1, NM_001400520.1 and 9 more transcripts); c.-34GAG[1] (NM_001400518.1, NM_001400521.1, NM_001400525.1 and 4 more transcripts); c.-406GAG[1] (NM_001400533.1, NM_001400539.1, NM_001400545.1); c.-467GAG[1] (NM_001400534.1, NM_001400538.1, NM_001400541.1 and 2 more transcripts); c.-257GAG[1] (NM_001400535.1); c.-434GAG[1] (NM_001400540.1); c.-669GAG[1] (NM_001400542.1); c.-228GAG[1] (NM_001400543.1); and 4 more; short protein forms E35del.
Identifiers: ClinVar variation 2005186 (VCV002005186.4), dbSNP rs1445241074, ClinGen allele CA771526377.
Genomic context (GRCh38, chr3:9,649,681, plus strand): 5'-CGGGGTCCTCGGCCTCTTCAGGCAACCAGCCGCCTCAGGAGCTGGGGCTTGGGGAGCTGC[TGGA>T]GGAGTTCTCCCGGACTCAGTACCGGGCCAAGGATGGCAGCGGGACCGGCGGCTCTAAGGT-3'